The following is an entry in ClinVar:

ClinVar aggregate classification (germline): Conflicting classifications of pathogenicity. Review status: criteria provided, conflicting classifications (1 of 4 stars). 6 submissions from 6 submitters: Uncertain significance (1); Likely benign (4). 1 of the submissions does not count toward it. Last evaluated 2026-07-07.

Conditions:
EYS-related disorder. Also called: EYS-related condition.
Autosomal recessive retinitis pigmentosa. Identifiers: MedGen C0339526.
Retinitis pigmentosa (RP). Identifiers: Orphanet 791, MedGen C0035334, MeSH D012174, MONDO:0019200, OMIM 268000. Inheritance: Autosomal dominant, autosomal recessive and X linked inheritance.

Allele frequency attached by ClinVar (database versions not stated): ESP Exome Variant Server 0.00008; gnomAD 0.00014 and 0.00015; gnomAD exomes 0.00014; TOPMed 0.00017; ExAC 0.00021.
gnomAD v4.1: 277 of 1,614,050 alleles (0.017%); highest among the groups gnomAD compares: Non-Finnish European, 0.022%; no homozygotes.

Submissions (6):

PreventionGenetics, part of Exact Sciences
Classification: Likely benign for EYS-related condition. Last evaluated: 2026-07-07. Review status: criteria provided, single submitter. Criteria: ACMG Guidelines, 2015. Collection method: clinical testing. Allele origin: germline.
Comment: This variant is classified as likely benign based on ACMG/AMP sequence variant interpretation guidelines (Richards et al. 2015 PMID: 25741868, with internal and published modifications).

CeGaT Center for Human Genetics Tuebingen
Classification: Likely benign. Last evaluated: 2025-10-01. Review status: criteria provided, single submitter. Criteria: CeGaT Center For Human Genetics Tuebingen Variant Classification Criteria Version 2. Collection method: clinical testing. Allele origin: germline. Affected: yes. Observed: 1 variant allele.
Comment: EYS: BP4, BP7

Labcorp Genetics (formerly Invitae), Labcorp
Classification: Likely benign. Last evaluated: 2025-03-17. Review status: criteria provided, single submitter. Criteria: Invitae Variant Classification Sherloc (09022015). Collection method: clinical testing. Allele origin: germline.

Blueprint Genetics
Classification: Likely benign. Last evaluated: 2024-05-29. Review status: criteria provided, single submitter. Criteria: ACMG Guidelines, 2015. Collection method: clinical testing. Allele origin: germline.

Illumina Laboratory Services, Illumina
Classification: Uncertain significance for Retinitis pigmentosa. Last evaluated: 2018-01-12. Review status: criteria provided, single submitter. Criteria: ICSL Variant Classification Criteria 13 December 2019. Collection method: clinical testing. Allele origin: germline.

Natera, Inc.
Classification: Uncertain significance for Autosomal recessive retinitis pigmentosa. Last evaluated: 2020-09-11. Review status: no assertion criteria provided. Collection method: clinical testing. Allele origin: germline. Not counted in ClinVar's aggregate classification.

NM_001142800.2(EYS):c.453T>A (p.Val151=)

Gene: EYS (EGF-like photoreceptor maintenance factor; minus strand). Cytogenetic location: 6q12.
Variant type: single nucleotide variant.
Coding change: c.453T>A on transcript NM_001142800.2 (MANE Select); coding-DNA position 453, T replaced by A.
Protein change: p.Val151=; no amino-acid change (valine 151 retained).
Molecular consequence: synonymous variant.
Genome position (GRCh38, 1-based): chr6:65,494,958, A>T on the plus strand (T>A on the coding strand, the complement: EYS is on the minus strand). VCF-style: chr6-65494958-A-T. GRCh37 (hg19) VCF-style: chr6-66204851-A-T.
Other names: c.453T>A, p.Val151= (NM_001142801.2, NM_001292009.2, NM_198283.2).
Identifiers: ClinVar variation 715731 (VCV000715731.23), dbSNP rs373183802, ClinGen allele CA3878070.